The following is an entry in ClinVar:

NM_182961.4(SYNE1):c.24338T>G (p.Phe8113Cys)

Gene: SYNE1 (spectrin repeat containing nuclear envelope protein 1; minus strand). Cytogenetic location: 6q25.2.
Variant type: single nucleotide variant.
Coding change: c.24338T>G on transcript NM_182961.4 (MANE Select); coding-DNA position 24338, T replaced by G.
Protein change: p.Phe8113Cys; replaces phenylalanine 8113 with cysteine.
Molecular consequence: missense variant.
Genome position (GRCh38, 1-based): chr6:152,151,665, A>C on the plus strand (T>G on the coding strand, the complement: SYNE1 is on the minus strand). VCF-style: chr6-152151665-A-C. GRCh37 (hg19) VCF-style: chr6-152472800-A-C.
Other names: c.944T>G, p.Phe315Cys (NM_001347701.2); c.803T>G, p.Phe268Cys (NM_001347702.2); c.24125T>G, p.Phe8042Cys (NM_033071.5); short protein forms F8042C, F8113C, F268C, F315C.
Identifiers: ClinVar variation 287184 (VCV000287184.9), dbSNP rs769930534, ClinGen allele CA4053199.

ClinVar aggregate classification (germline): Uncertain significance. Review status: criteria provided, multiple submitters, no conflicts (2 of 4 stars). 2 submissions from 2 submitters: Uncertain significance (2). Last evaluated 2021-08-27.

Conditions:
Autosomal recessive ataxia, Beauce type. Also called: Spinocerebellar ataxia, autosomal recessive 8; ATAXIA, RECESSIVE, OF BEAUCE; SYNE1 Deficiency; SYNE1-Related Autosomal Recessive Cerebellar Ataxia. Identifiers: Orphanet 88644, MedGen C1853116, MONDO:0012549, OMIM 610743.
Emery-Dreifuss muscular dystrophy 4, autosomal dominant (EDMD4). Also called: EMERY-DREIFUSS MUSCULAR DYSTROPHY 4 WITH VARIABLE FEATURES. Identifiers: Orphanet 261, MedGen C2751807, MONDO:0013071, OMIM 612998.

Allele frequency attached by ClinVar (database versions not stated): gnomAD exomes 0.00002; ExAC 0.00003; gnomAD 0.00003 and 0.00004; TOPMed 0.00005.
gnomAD v4.1: 4 of 1,614,022 alleles (0.00025%); highest among the groups gnomAD compares: African/African-American, 0.0053%; no homozygotes.

Submissions (2):

Labcorp Genetics (formerly Invitae), Labcorp
Classification: Uncertain significance for Emery-Dreifuss muscular dystrophy 4, autosomal dominant; Autosomal recessive ataxia, Beauce type. Last evaluated: 2021-08-27. Review status: criteria provided, single submitter. Criteria: Invitae Variant Classification Sherloc (09022015). Collection method: clinical testing. Allele origin: germline.
Comment: This sequence change replaces phenylalanine with cysteine at codon 8042 of the SYNE1 protein (p.Phe8042Cys). The phenylalanine residue is highly conserved and there is a large physicochemical difference between phenylalanine and cysteine. This variant is present in population databases (rs769930534, ExAC 0.03%). This variant has not been reported in the literature in individuals affected with SYNE1-related conditions. ClinVar contains an entry for this variant (Variation ID: 287184). Algorithms developed to predict the effect of missense changes on protein structure and function are either unavailable or do not agree on the potential impact of this missense change (SIFT: "Deleterious"; PolyPhen-2: "Probably Damaging"; Align-GVGD: "Class C0"). Algorithms developed to predict the effect of sequence changes on RNA splicing suggest that this variant may create or strengthen a splice site. In summary, the available evidence is currently insufficient to determine the role of this variant in disease. Therefore, it has been classified as a Variant of Uncertain Significance.

Eurofins Ntd Llc (ga)
Classification: Uncertain significance. Last evaluated: 2016-03-29. Review status: criteria provided, single submitter. Criteria: EGL Classification Definitions 2015. Collection method: clinical testing. Allele origin: germline. Observed: 1 variant allele, 1 heterozygote.